The following is an entry in ClinVar:

NM_003664.5(AP3B1):c.2614G>A (p.Val872Met)

Gene: AP3B1 (adaptor related protein complex 3 subunit beta 1; minus strand). Cytogenetic location: 5q14.1.
Variant type: single nucleotide variant.
Coding change: c.2614G>A on transcript NM_003664.5 (MANE Select); coding-DNA position 2614, G replaced by A.
Protein change: p.Val872Met; replaces valine 872 with methionine.
Molecular consequence: missense variant.
Genome position (GRCh38, 1-based): chr5:78,039,238, C>T on the plus strand (G>A on the coding strand, the complement: AP3B1 is on the minus strand). VCF-style: chr5-78039238-C-T. GRCh37 (hg19) VCF-style: chr5-77335062-C-T.
Other names: c.2467G>A, p.Val823Met (NM_001271769.2); short protein forms V823M, V872M.
Identifiers: ClinVar variation 3300524 (VCV003300524.2).

ClinVar aggregate classification (germline): Uncertain significance. Review status: criteria provided, multiple submitters, no conflicts (2 of 4 stars). 2 submissions from 2 submitters: Uncertain significance (2). Last evaluated 2025-11-11.

Conditions:
Inborn genetic diseases. Identifiers: MedGen C0950123, MeSH D030342.
Hermansky-Pudlak syndrome 2 (HPS2). Also called: Platelet defects and oculocutaneous albinism. Identifiers: Orphanet 183678, Orphanet 79430, MedGen C1842362, MONDO:0011997, OMIM 608233.

gnomAD v4.1: 42 of 1,613,922 alleles (0.0026%); highest among the groups gnomAD compares: Admixed American, 0.0083%; no homozygotes.

Submissions (2):

Labcorp Genetics (formerly Invitae), Labcorp
Classification: Uncertain significance for Hermansky-Pudlak syndrome 2. Last evaluated: 2025-11-11. Review status: criteria provided, single submitter. Criteria: Invitae Variant Classification Sherloc (09022015). Collection method: clinical testing. Allele origin: germline.
Comment: This sequence change replaces valine, which is neutral and non-polar, with methionine, which is neutral and non-polar, at codon 872 of the AP3B1 protein (p.Val872Met). This variant is present in population databases (rs765162490, gnomAD 0.01%). This variant has not been reported in the literature in individuals affected with AP3B1-related conditions. ClinVar contains an entry for this variant (Variation ID: 3300524). An algorithm developed to predict the effect of missense changes on protein structure and function (PolyPhen-2) suggests that this variant is likely to be disruptive. In summary, the available evidence is currently insufficient to determine the role of this variant in disease. Therefore, it has been classified as a Variant of Uncertain Significance.

Ambry Genetics
Classification: Uncertain significance for Inborn genetic diseases. Last evaluated: 2024-06-16. Review status: criteria provided, single submitter. Criteria: Ambry Variant Classification Scheme 2023. Collection method: clinical testing. Allele origin: germline.